The following is an entry in ClinVar:

ClinVar aggregate classification (germline): Benign/Likely benign. Review status: criteria provided, multiple submitters, no conflicts (2 of 4 stars). 7 submissions from 7 submitters: Benign (4); Likely benign (3). Last evaluated 2026-07-01.

Conditions:
Inborn genetic diseases. Identifiers: MedGen C0950123, MeSH D030342.

Allele frequency attached by ClinVar (database versions not stated): ESP Exome Variant Server 0.00069; TOPMed 0.00070; gnomAD 0.00073 and 0.00082; 1000 Genomes Project 30x 0.00094; 1000 Genomes Project 0.00100; gnomAD exomes 0.00110 and 0.00125; ExAC 0.00122.
gnomAD v4.1: 1,929 of 1,613,104 alleles (0.12%); highest among the groups gnomAD compares: South Asian, 0.24%; 6 homozygotes.

Submissions (7):

CeGaT Center for Human Genetics Tuebingen
Classification: Likely benign. Last evaluated: 2026-07-01. Review status: criteria provided, single submitter. Criteria: CeGaT Center For Human Genetics Tuebingen Variant Classification Criteria Version 2. Collection method: clinical testing. Allele origin: germline. Affected: yes. Observed: 7 variant alleles.
Comment: RAI1: BP4, BS1

Labcorp Genetics (formerly Invitae), Labcorp
Classification: Benign. Last evaluated: 2026-02-02. Review status: criteria provided, single submitter. Criteria: Invitae Variant Classification Sherloc (09022015). Collection method: clinical testing. Allele origin: germline.

Blueprint Genetics
Classification: Likely benign. Last evaluated: 2024-11-04. Review status: criteria provided, single submitter. Criteria: ACMG Guidelines, 2015. Collection method: clinical testing. Allele origin: germline.

GeneDx
Classification: Benign. Last evaluated: 2021-02-25. Review status: criteria provided, single submitter. Criteria: GeneDx Variant Classification Process June 2021. Collection method: clinical testing. Allele origin: germline. Affected: yes.

Ambry Genetics
Classification: Likely benign for Inborn genetic diseases. Last evaluated: 2018-02-28. Review status: criteria provided, single submitter. Criteria: Ambry Variant Classification Scheme 2023. Collection method: clinical testing. Allele origin: germline.

Athena Diagnostics
Classification: Benign. Last evaluated: 2018-01-15. Review status: criteria provided, single submitter. Criteria: Athena Diagnostics Criteria. Collection method: clinical testing. Allele origin: germline.

Genetic Services Laboratory, University of Chicago
Classification: Benign. Last evaluated: 2016-08-12. Review status: criteria provided, single submitter. Criteria: ACMG Guidelines, 2015. Collection method: clinical testing. Allele origin: germline. Affected: no.

NM_030665.4(RAI1):c.4526A>G (p.Gln1509Arg)

Gene: RAI1 (retinoic acid induced 1; plus strand). Cytogenetic location: 17p11.2.
Variant type: single nucleotide variant.
Coding change: c.4526A>G on transcript NM_030665.4 (MANE Select); coding-DNA position 4526, A replaced by G.
Protein change: p.Gln1509Arg; replaces glutamine 1509 with arginine.
Molecular consequence: missense variant.
Genome position (GRCh38, 1-based): chr17:17,797,474, A>G. VCF-style: chr17-17797474-A-G. GRCh37 (hg19) VCF-style: chr17-17700788-A-G.
Other names: short protein forms Q1509R.
Identifiers: ClinVar variation 436501 (VCV000436501.81), dbSNP rs140063274, ClinGen allele CA8418971.